The following is an entry in ClinVar:

NM_001170629.2(CHD8):c.4240G>T (p.Asp1414Tyr)

Gene: CHD8 (chromodomain helicase DNA binding protein 8; minus strand). Cytogenetic location: 14q11.2.
Variant type: single nucleotide variant.
Coding change: c.4240G>T on transcript NM_001170629.2 (MANE Select); coding-DNA position 4240, G replaced by T.
Protein change: p.Asp1414Tyr; replaces aspartic acid 1414 with tyrosine.
Molecular consequence: missense variant.
Genome position (GRCh38, 1-based): chr14:21,401,005, C>A on the plus strand (G>T on the coding strand, the complement: CHD8 is on the minus strand). VCF-style: chr14-21401005-C-A. GRCh37 (hg19) VCF-style: chr14-21869164-C-A.
Other names: c.3403G>T, p.Asp1135Tyr (NM_020920.4); short protein forms D1135Y, D1414Y.
Identifiers: ClinVar variation 4851471 (VCV004851471.1).

ClinVar aggregate classification (germline): Uncertain significance (1 of 4 stars; one submission).

Conditions:
Paediatric disorders.

Submission:

North West Genomic Laboratory Hub, Manchester University NHS Foundation Trust
Classification: Uncertain significance for Paediatric disorders. Last evaluated: 2026-05-04. Review status: criteria provided, single submitter. Criteria: ACGS Best Practice Guidelines for Variant Classification in Rare Disease 2024. Collection method: clinical testing. Allele origin: germline. Affected: yes.
Comment: PM2_Mod PP3_Supp PP2_Supp